The following is an entry in ClinVar:

NM_019616.4(F7):c.443G>A (p.Arg148His)

Gene: F7 (coagulation factor VII; plus strand). Cytogenetic location: 13q34.
Variant type: single nucleotide variant.
Coding change: c.443G>A on transcript NM_019616.4 (MANE Select); coding-DNA position 443, G replaced by A.
Protein change: p.Arg148His; replaces arginine 148 with histidine.
Molecular consequence: missense variant. On other transcripts: non-coding transcript variant (1).
Genome position (GRCh38, 1-based): chr13:113,115,738, G>A. VCF-style: chr13-113115738-G-A. GRCh37 (hg19) VCF-style: chr13-113770052-G-A.
Other names: p.Arg170His; c.509G>A, p.Arg170His (NM_000131.5); c.257G>A, p.Arg86His (NM_001267554.2); short protein forms R148H, R170H, R86H.
Identifiers: ClinVar variation 627084 (VCV000627084.3), dbSNP rs375134790, ClinGen allele CA7059970.

ClinVar aggregate classification (germline): Conflicting classifications of pathogenicity. Review status: criteria provided, conflicting classifications (1 of 4 stars). 4 submissions from 4 submitters: Likely pathogenic (1); Uncertain significance (3). Last evaluated 2024-12-19.

Conditions:
Factor VII deficiency. Also called: Factor 7 deficiency; F7 DEFICIENCY; HYPOPROCONVERTINEMIA. Identifiers: MedGen C0015503, MeSH D005168, MONDO:0002244.
Congenital factor VII deficiency. Identifiers: Orphanet 327, MedGen C0272320, MONDO:0009211, OMIM 227500.

Allele frequency attached by ClinVar (database versions not stated): gnomAD exomes below 0.00001 and 0.00001; ExAC 0.00001; gnomAD 0.00001; TOPMed 0.00005; ESP Exome Variant Server 0.00008.
gnomAD v4.1: 6 of 1,613,072 alleles (0.00037%); highest among the groups gnomAD compares: African/African-American, 0.004%; no homozygotes.

Submissions (4):

Mayo Clinic Laboratories, Mayo Clinic
Classification: Uncertain significance. Last evaluated: 2024-12-19. Review status: criteria provided, single submitter. Criteria: ACMG Guidelines, 2015. Collection method: clinical testing. Allele origin: germline. Observed: 1 variant allele.
Comment: PM1_supporting, PM2_supporting, PS4_moderate

GeneDx
Classification: Uncertain significance. Last evaluated: 2024-09-19. Review status: criteria provided, single submitter. Criteria: GeneDx Variant Classification Process June 2021. Collection method: clinical testing. Allele origin: germline. Affected: yes.
Comment: Observed in the heterozygous state, sometimes in addition to heterozygous variants in other coagulation genes, in individuals with coagulation disorders reported in the published literature (PMID: 29104756, 31064749, 33477601); Not observed at significant frequency in large population cohorts (gnomAD); In silico analysis indicates that this missense variant does not alter protein structure/function; This variant is associated with the following publications: (PMID: 29104756, 36760778, 31064749, 33477601, 37647632)

Genetics and Molecular Pathology, SA Pathology
Classification: Uncertain significance for Congenital factor VII deficiency. Last evaluated: 2023-07-18. Review status: criteria provided, single submitter. Criteria: ACMG Guidelines, 2015. Collection method: clinical testing. Allele origin: germline. Inheritance: Autosomal recessive inheritance. Affected: yes.
Comment: Note that this variant has been commonly reported with a different transcript in the literature: NM_000131.4:c.509G>A The F7 c.443G>A variant is classified as VUS (PM3, PM2_Supporting, PP4) The F7 c.443G>A variant is a single nucleotide change in exon 5/8 of the F7 gene, which is predicted to change the amino acid arginine at position 148 in the protein to histidine. This variant has been reported in an index case in the homozygous state (PMID: 36760778) for this recessive condition (PM3). The variant is rare in population databases (gnomAD allele frequency = 0.0013%; 2 het and 0 hom in 152238 sequenced alleles; highest frequency = 0.0048%, African/African American population) (PM2_supporting). The patient’s phenotype is highly specific for a disease with a single genetic aetiology (biochemical functional assay shows low FVII activity and prolonged bleeding time) (PP4). The variant has been reported in dbSNP (rs375134790) and in the HGMD database: CM1715892. It has been reported as Likely pathogenic by one other diagnostic laboratory (ClinVar Variation ID: 627084)

NIHR Bioresource Rare Diseases, University of Cambridge
Classification: Likely pathogenic for Congenital factor VII deficiency. Last evaluated: 2019-02-01. Review status: criteria provided, single submitter. Criteria: ACMG Guidelines, 2015. Collection method: research. Allele origin: unknown. Affected: yes. Observed: 1 heterozygote. Study: ThromboGenomics.

Literature cited by the submitters: PubMed 29104756 (cited by Mayo Clinic Laboratories, Mayo Clinic); PubMed 31064749 (cited by Mayo Clinic Laboratories, Mayo Clinic and NIHR Bioresource Rare Diseases, University of Cambridge); PubMed 33477601 (cited by Mayo Clinic Laboratories, Mayo Clinic); PubMed 36760778 (cited by Mayo Clinic Laboratories, Mayo Clinic and Genetics and Molecular Pathology, SA Pathology); PubMed 36823319 (cited by Mayo Clinic Laboratories, Mayo Clinic); PubMed 37647632 (cited by Mayo Clinic Laboratories, Mayo Clinic).